The following is an entry in ClinVar:

ClinVar aggregate classification (germline): Uncertain significance. Review status: criteria provided, multiple submitters, no conflicts (2 of 4 stars). 2 submissions from 2 submitters: Uncertain significance (2). Last evaluated 2023-04-10.

Conditions:
Hereditary cancer-predisposing syndrome. Also called: Tumor predisposition; Hereditary Cancer Syndrome; Hereditary neoplastic syndrome; Neoplastic Syndromes, Hereditary. Identifiers: Orphanet 140162, MedGen C0027672, MeSH D009386, MONDO:0015356.
Rhabdoid tumor predisposition syndrome 2 (RTPS2). Identifiers: Orphanet 231108, Orphanet 69077, MedGen C2750074, MONDO:0013224, OMIM 613325.

Submissions (2):

Ambry Genetics
Classification: Uncertain significance for Hereditary cancer-predisposing syndrome. Last evaluated: 2023-04-10. Review status: criteria provided, single submitter. Criteria: Ambry Variant Classification Scheme 2023. Collection method: clinical testing. Allele origin: germline.
Comment: The p.N166D variant (also known as c.496A>G), located in coding exon 3 of the SMARCA4 gene, results from an A to G substitution at nucleotide position 496. The asparagine at codon 166 is replaced by aspartic acid, an amino acid with highly similar properties. This amino acid position is poorly conserved in available vertebrate species. In addition, this alteration is predicted to be tolerated by in silico analysis. Missense and in-frame variants in SMARCA4 are known to cause neurodevelopmental disorders; however, such associations with rhabdoid tumor predisposition syndrome including small cell carcinoma of the ovary-hypercalcemic type (SCCOHT) are exceedingly rare (Kosho T et al. Am J Med Genet C Semin Med Genet. 2014 Sep;166C(3):262-75; Jelinic P et al. Nat Genet. 2014 May;46(5):424-6). Based on the supporting evidence, the association of this alteration with Coffin-Siris syndrome is unknown; however, the association of this alteration with rhabdoid tumor predisposition syndrome is unlikely.

Labcorp Genetics (formerly Invitae), Labcorp
Classification: Uncertain significance for Rhabdoid tumor predisposition syndrome 2. Last evaluated: 2022-02-07. Review status: criteria provided, single submitter. Criteria: Invitae Variant Classification Sherloc (09022015). Collection method: clinical testing. Allele origin: germline.
Comment: This sequence change replaces asparagine, which is neutral and polar, with aspartic acid, which is acidic and polar, at codon 166 of the SMARCA4 protein (p.Asn166Asp). This variant is not present in population databases (gnomAD no frequency). In summary, the available evidence is currently insufficient to determine the role of this variant in disease. Therefore, it has been classified as a Variant of Uncertain Significance. Algorithms developed to predict the effect of missense changes on protein structure and function are either unavailable or do not agree on the potential impact of this missense change (SIFT: "Deleterious"; PolyPhen-2: "Benign"; Align-GVGD: "Class C0"). This variant has not been reported in the literature in individuals affected with SMARCA4-related conditions.

NM_003072.5(SMARCA4):c.496A>G (p.Asn166Asp)

Gene: SMARCA4 (SWI/SNF related BAF chromatin remodeling complex subunit ATPase 4; plus strand). Cytogenetic location: 19p13.2.
Variant type: single nucleotide variant.
Coding change: c.496A>G on transcript NM_003072.5 (MANE Select); coding-DNA position 496, A replaced by G.
Protein change: p.Asn166Asp; replaces asparagine 166 with aspartic acid.
Molecular consequence: missense variant. On other transcripts: non-coding transcript variant (1).
Genome position (GRCh38, 1-based): chr19:10,986,329, A>G. VCF-style: chr19-10986329-A-G. GRCh37 (hg19) VCF-style: chr19-11097005-A-G.
Other names: c.496A>G (NM_001128849.1); c.496A>G, p.Asn166Asp (NM_001128844.3, NM_001128845.2, NM_001128846.2 and 6 more transcripts); short protein forms N166D.
Identifiers: ClinVar variation 2092881 (VCV002092881.6), dbSNP rs2145775992, ClinGen allele CA404056151.
Genomic context (GRCh38, chr19:10,986,329, plus strand): 5'-TCTTCCGGGCCAGGAGGTGCCCCGCTGGATGGTGCTGACCCCCAGGCCTTGGGGCAGCAG[A>G]ACCGGGGCCCAACCCCATTTAACCAGAACCAGCTGCACCAGCTCAGAGCTCAGATCATGG-3'
Protein context (NP_003063.2, residues 156-176): GADPQALGQQ[Asn166Asp]RGPTPFNQNQ